The following is an entry in ClinVar:

ClinVar aggregate classification (germline): Likely pathogenic (1 of 4 stars; one submission).

Conditions:
TRIP4-related disorder. Also called: TRIP4-related disorders; TRIP4-related condition.

Submission:

Women's Health and Genetics/Laboratory Corporation of America, LabCorp
Classification: Likely pathogenic for TRIP4-Related Disorders. Last evaluated: 2023-02-14. Review status: criteria provided, single submitter. Criteria: LabCorp Variant Classification Summary - May 2015. Collection method: clinical testing. Allele origin: germline.
Comment: Variant summary: The variant identified by MLPA or other technology involves the deletion of exon 1 in the TRIP4 gene, which includes the canonical translation initiation codon. A presumed nomenclature of c.(?_-61)_(101+1_102-1)del has been designated for the purposes of this classification. Although exact breakpoints of this deletion are not known, it is expected to remove the initiation codon and is predicted to result in absence of the protein or truncation of the encoded protein due to translation initiation at a downstream site, which are known mechanisms of disease. The variant allele was found at a frequency of 4.6e-05 in 21694 control chromosomes (gnomAD, Structural Variants dataset). To our knowledge, no occurrence of c.(?_-61)_(101+1_102-1)del in individuals affected with TRIP4-Related Disorders and no experimental evidence demonstrating its impact on protein function have been reported. No clinical diagnostic laboratories have submitted clinical-significance assessments for this variant to ClinVar after 2014. Based on the evidence outlined above, the variant was classified as likely pathogenic.

NC_000015.9:g.(?_64680002)_(64680164_64686144)del

Gene: TRIP4 (thyroid hormone receptor interactor 4; plus strand). Cytogenetic location: 15q22.31.
Variant type: Deletion.
Identifiers: ClinVar variation 2445842 (VCV002445842.1).